The following is an entry in ClinVar:

NM_000340.2(SLC2A2):c.1550T>A (p.Phe517Tyr)

Gene: SLC2A2 (solute carrier family 2 member 2; minus strand). Cytogenetic location: 3q26.2.
Variant type: single nucleotide variant.
Coding change: c.1550T>A on transcript NM_000340.2 (MANE Select); coding-DNA position 1550, T replaced by A.
Protein change: p.Phe517Tyr; replaces phenylalanine 517 with tyrosine.
Molecular consequence: missense variant.
Genome position (GRCh38, 1-based): chr3:170,997,928, A>T on the plus strand (T>A on the coding strand, the complement: SLC2A2 is on the minus strand). VCF-style: chr3-170997928-A-T. GRCh37 (hg19) VCF-style: chr3-170715717-A-T.
Other names: c.1193T>A, p.Phe398Tyr (NM_001278658.2); c.1031T>A, p.Phe344Tyr (NM_001278659.2); short protein forms F344Y, F398Y, F517Y.
Identifiers: ClinVar variation 3605962 (VCV003605962.2).

ClinVar aggregate classification (germline): Uncertain significance (1 of 4 stars; one submission).

Conditions:
Fanconi-Bickel syndrome (FBS). Also called: FANCONI SYNDROME WITH INTESTINAL MALABSORPTION AND GALACTOSE INTOLERANCE; HEPATIC GLYCOGENOSIS WITH AMINO ACIDURIA AND GLUCOSURIA; HEPATIC GLYCOGENOSIS WITH FANCONI NEPHROPATHY; HEPATORENAL GLYCOGENOSIS WITH RENAL FANCONI SYNDROME; PSEUDO-PHLORIZIN DIABETES; Glycogen storage disease due to GLUT2 deficiency. Identifiers: Orphanet 2088, MedGen C3495427, MONDO:0009216, OMIM 227810.

gnomAD v4.1: 9 of 1,613,212 alleles (0.00056%); highest among the groups gnomAD compares: Non-Finnish European, 0.00076%; no homozygotes.

Submission:

Labcorp Genetics (formerly Invitae), Labcorp
Classification: Uncertain significance for Fanconi-Bickel syndrome. Last evaluated: 2024-12-02. Review status: criteria provided, single submitter. Criteria: Invitae Variant Classification Sherloc (09022015). Collection method: clinical testing. Allele origin: germline.
Comment: This sequence change replaces phenylalanine, which is neutral and non-polar, with tyrosine, which is neutral and polar, at codon 517 of the SLC2A2 protein (p.Phe517Tyr). This variant is present in population databases (rs141574520, gnomAD 0.004%). This variant has not been reported in the literature in individuals affected with SLC2A2-related conditions. Invitae Evidence Modeling of protein sequence and biophysical properties (such as structural, functional, and spatial information, amino acid conservation, physicochemical variation, residue mobility, and thermodynamic stability) indicates that this missense variant is not expected to disrupt SLC2A2 protein function with a negative predictive value of 95%. In summary, the available evidence is currently insufficient to determine the role of this variant in disease. Therefore, it has been classified as a Variant of Uncertain Significance.